The following is an entry in ClinVar:

ClinVar aggregate classification (germline): Likely pathogenic (1 of 4 stars; one submission).

Conditions:
Retinitis pigmentosa 1 (RP1). Identifiers: Orphanet 791, MedGen C0220701, MONDO:0008377, OMIM 180100.

Submission:

SingHealth Duke-NUS Institute of Precision Medicine
Classification: Likely pathogenic for Retinitis pigmentosa 1. Last evaluated: 2025-02-05. Review status: criteria provided, single submitter. Criteria: PRISM ACMG Classification Criteria. Collection method: clinical testing. Allele origin: germline. Affected: yes.
Comment: Variant is predicted to cause nonsense-mediated decay in a gene where LOF is a known cause of pathogenicity (PVS1). Variant is not found in gnomAD exomes or genomes (PM2).

NM_001375654.1(RP1):c.2564_2565del (p.Glu855fs)

Gene: RP1 (RP1 axonemal microtubule associated; plus strand). Cytogenetic location: 8q12.1.
Variant type: Deletion.
Coding change: c.2564_2565del on transcript NM_001375654.1; coding-DNA positions 2564 to 2565, 2 bases deleted (AA; older notation c.2564_2565delAA).
Protein change: p.Glu855fs; shifts the reading frame from glutamic acid 855.
Molecular consequence: frameshift variant.
Genome position (GRCh38, 1-based): chr8:54,734,587-54,734,588, AA deleted. VCF-style (leftmost placement, unchanged base first): chr8-54734586-GAA-G. GRCh37 (hg19) VCF-style: chr8-55647146-GAA-G.
Other names: short protein forms E855fs.
Identifiers: ClinVar variation 3767338 (VCV003767338.1).